The following is an entry in ClinVar:

ClinVar aggregate classification (germline): Likely pathogenic (3 of 4 stars; one submission).

Conditions:
Glanzmann thrombasthenia. Also called: BLEEDING DISORDER, PLATELET-TYPE, 2; THROMBASTHENIA OF GLANZMANN AND NAEGELI; PLATELET GLYCOPROTEIN IIb-IIIa DEFICIENCY; Thrombasthenia; Glanzmann's thrombasthenia. Identifiers: Orphanet 849, MedGen C0040015, MONDO:0100326.

Allele frequency attached by ClinVar (database versions not stated): gnomAD exomes below 0.00001.
gnomAD v4.1: 1 of 1,606,332 alleles (0.000062%); highest among the groups gnomAD compares: Non-Finnish European, 0.000085%; no homozygotes.

Submission:

ClinGen Platelet Disorders Variant Curation Expert Panel, ClinGen
Classification: Likely pathogenic for Glanzmann thrombasthenia. Last evaluated: 2024-08-20. Review status: reviewed by expert panel. Criteria: ClinGen Platelet ACMG Specifications v2-1. Collection method: curation. Allele origin: germline. Inheritance: Autosomal recessive inheritance.
Comment: The ITGA2B intronic variant NM_000419.5:c.1210+5G>A is located proximal to a splice donor site, however in silico tools do not agree on the predicted effect on splicing. This variant has been observed in homozygosity (PM3_supporting) in an individual with Glanzmann's thrombasthenia (GT) (GT-01 in PMID: 30792900), as well as at least six affected family members (PP1_strong). At least one proband (DOI 10.1182/blood-2023-182694) with this variant displayed mucocutaneous bleeding and impaired aggregation with all agonists except ristocetin, which is highly specific for Glanzmann thrombasthenia (PP4_moderate). Additionally, αIIbβ3 surface expression was absent or reduced, as measured by flow cytometry. The highest population minor allele frequency in gnomAD v4.1.0 is 8.482e-7 (1/1179018 alleles) in the European (non-Finnish) population, which is lower than the ClinGen PD VCEP threshold (<0.0001; PM2_Supporting). In summary, this variant meets criteria to be classified as likely pathogenic for GT. GT-specific criteria applied: PP1_strong, PM2_supporting, PM3_supporting, PP4_moderate.

NM_000419.5(ITGA2B):c.1210+5G>A

Gene: ITGA2B (integrin subunit alpha 2b; minus strand). Cytogenetic location: 17q21.31.
Variant type: single nucleotide variant.
Coding change: c.1210+5G>A on transcript NM_000419.5 (MANE Select); 5 bases into the intron after coding-DNA position 1210, G replaced by A.
Molecular consequence: intron variant.
Genome position (GRCh38, 1-based): chr17:44,383,488, C>T on the plus strand (G>A on the coding strand, the complement: ITGA2B is on the minus strand). VCF-style: chr17-44383488-C-T. GRCh37 (hg19) VCF-style: chr17-42460856-C-T.
Identifiers: ClinVar variation 1210188 (VCV001210188.2), dbSNP rs2143475577, ClinGen allele CA915940251.